The following is an entry in ClinVar:

NM_000719.7(CACNA1C):c.758G>A (p.Ser253Asn)

Gene: CACNA1C (calcium voltage-gated channel subunit alpha1 C; plus strand). Cytogenetic location: 12p13.33.
Variant type: single nucleotide variant.
Coding change: c.758G>A on transcript NM_000719.7 (MANE Select); coding-DNA position 758, G replaced by A.
Protein change: p.Ser253Asn; replaces serine 253 with asparagine.
Molecular consequence: missense variant.
Genome position (GRCh38, 1-based): chr12:2,486,104, G>A. VCF-style: chr12-2486104-G-A. GRCh37 (hg19) VCF-style: chr12-2595270-G-A.
Other names: c.758G>A, p.Ser253Asn (NM_001129827.2, NM_001129829.2, NM_001129830.3 and 19 more transcripts); short protein forms S253N.
Identifiers: ClinVar variation 4528010 (VCV004528010.2).

ClinVar aggregate classification (germline): Uncertain significance (1 of 4 stars; one submission).

Submission:

GeneDx
Classification: Uncertain significance. Last evaluated: 2026-08-20. Review status: criteria provided, single submitter. Criteria: GeneDx Variant Classification Process June 2021. Collection method: clinical testing. Allele origin: germline.
Comment: Not observed at significant frequency in large population cohorts (gnomAD); In silico analysis supports that this missense variant has a deleterious effect on protein structure/function; Has not been previously published as pathogenic or benign to our knowledge